The following is an entry in ClinVar:

NM_198253.3(TERT):c.931T>A (p.Ser311Thr)

Gene: TERT (telomerase reverse transcriptase; minus strand). Cytogenetic location: 5p15.33.
Variant type: single nucleotide variant.
Coding change: c.931T>A on transcript NM_198253.3 (MANE Select); coding-DNA position 931, T replaced by A.
Protein change: p.Ser311Thr; replaces serine 311 with threonine.
Molecular consequence: missense variant. On other transcripts: non-coding transcript variant (2).
Genome position (GRCh38, 1-based): chr5:1,293,955, A>T on the plus strand (T>A on the coding strand, the complement: TERT is on the minus strand). VCF-style: chr5-1293955-A-T. GRCh37 (hg19) VCF-style: chr5-1294070-A-T.
Other names: c.931T>A, p.Ser311Thr (NM_001193376.3); short protein forms S311T.
Identifiers: ClinVar variation 410664 (VCV000410664.22), dbSNP rs1060502998, ClinGen allele CA16611791.
Genomic context (GRCh38, chr5:1,293,955, plus strand): 5'-AGTGCTTGGTCTCGGCGTACACCGGGGGACAAGGCGTGTCCCAGGGACGTGGTGGCCGCG[A>T]TGTGGATGGGGGGCCCGCGTGGTGCTGGCGGCCCACGGATGGGTGGGAGTGGCGCGTGCC-3'
Protein context (NP_937983.2, residues 301-321): RQHHAGPPST[Ser311Thr]RPPRPWDTPC

ClinVar aggregate classification (germline): Uncertain significance. Review status: criteria provided, multiple submitters, no conflicts (2 of 4 stars). 5 submissions from 5 submitters: Uncertain significance (5). Last evaluated 2026-08-05.

Conditions:
TERT-related disorder. Also called: TERT-related disorders; TERT-related condition.
Dyskeratosis congenita, autosomal dominant 2. Identifiers: MedGen C3151443, MONDO:0013521, OMIM 613989.
Idiopathic Pulmonary Fibrosis. Also called: Idiopathic fibrosing alveolitis, chronic form; idiopathic fibrosing alveolitis. Identifiers: Orphanet 2032, MedGen C1800706, MeSH D054990, MONDO:0800504.
Dyskeratosis congenita. Identifiers: Orphanet 1775, MedGen C0265965, MONDO:0015780.

Allele frequency attached by ClinVar (database versions not stated): gnomAD exomes 0.00001; TOPMed 0.00001.
gnomAD v4.1: 11 of 1,552,462 alleles (0.00071%); highest among the groups gnomAD compares: Middle Eastern, 0.05%; no homozygotes.

Submissions (5):

PreventionGenetics, part of Exact Sciences
Classification: Uncertain significance for TERT-related condition. Last evaluated: 2026-08-05. Review status: criteria provided, single submitter. Criteria: ACMG Guidelines, 2015. Collection method: clinical testing. Allele origin: germline.
Comment: The TERT c.931T>A variant is predicted to result in the amino acid substitution p.Ser311Thr. To our knowledge, this variant has not been reported in the literature or in a large population database (gnomAD), indicating this variant is rare. This variant is reported in ClinVar as a variant of uncertain significance (Variation ID: 410664). At this time, the clinical significance of this variant is uncertain due to the absence of conclusive functional and genetic evidence.

Ambry Genetics
Classification: Uncertain significance for Dyskeratosis congenita. Last evaluated: 2025-07-24. Review status: criteria provided, single submitter. Criteria: Ambry Variant Classification Scheme 2023. Collection method: clinical testing. Allele origin: germline.
Comment: The p.S311T variant (also known as c.931T>A), located in coding exon 2 of the TERT gene, results from a T to A substitution at nucleotide position 931. The serine at codon 311 is replaced by threonine, an amino acid with similar properties. This amino acid position is conserved. In addition, this alteration is predicted to be tolerated by in silico analysis. Based on the available evidence, the clinical significance of this variant remains unclear.

GeneDx
Classification: Uncertain significance. Last evaluated: 2025-06-04. Review status: criteria provided, single submitter. Criteria: GeneDx Variant Classification Process June 2021. Collection method: clinical testing. Allele origin: germline.
Comment: Not observed at significant frequency in large population cohorts (gnomAD); In silico analysis suggests that this missense variant does not alter protein structure/function; Has not been previously published as pathogenic or benign to our knowledge

Labcorp Genetics (formerly Invitae), Labcorp
Classification: Uncertain significance for Dyskeratosis congenita, autosomal dominant 2; Idiopathic Pulmonary Fibrosis. Last evaluated: 2025-01-13. Review status: criteria provided, single submitter. Criteria: Invitae Variant Classification Sherloc (09022015). Collection method: clinical testing. Allele origin: germline.
Comment: This sequence change replaces serine, which is neutral and polar, with threonine, which is neutral and polar, at codon 311 of the TERT protein (p.Ser311Thr). This variant is not present in population databases (gnomAD no frequency). This variant has not been reported in the literature in individuals affected with TERT-related conditions. ClinVar contains an entry for this variant (Variation ID: 410664). Invitae Evidence Modeling of protein sequence and biophysical properties (such as structural, functional, and spatial information, amino acid conservation, physicochemical variation, residue mobility, and thermodynamic stability) indicates that this missense variant is not expected to disrupt TERT protein function with a negative predictive value of 95%. In summary, the available evidence is currently insufficient to determine the role of this variant in disease. Therefore, it has been classified as a Variant of Uncertain Significance.

Genetic Services Laboratory, University of Chicago
Classification: Uncertain significance. Last evaluated: 2016-01-21. Review status: criteria provided, single submitter. Criteria: ACMG Guidelines, 2015. Collection method: clinical testing. Allele origin: germline. Affected: no.